The following is an entry in ClinVar:

ClinVar aggregate classification (germline): Uncertain significance. Review status: criteria provided, multiple submitters, no conflicts (2 of 4 stars). 3 submissions from 3 submitters: Uncertain significance (3). Last evaluated 2026-01-13.

Conditions:
Dilated cardiomyopathy 1G (CMD1G). Identifiers: Orphanet 154, MedGen C1858763, MONDO:0011400, OMIM 604145.
Autosomal recessive limb-girdle muscular dystrophy type 2J (LGMDR10). Also called: MUSCULAR DYSTROPHY, LIMB-GIRDLE, AUTOSOMAL RECESSIVE 10; Limb-girdle muscular dystrophy, type 2J. Identifiers: Orphanet 140922, MedGen C1837342, MONDO:0012127, OMIM 608807.

Allele frequency attached by ClinVar (database versions not stated): gnomAD exomes below 0.00001; TOPMed below 0.00001.
gnomAD v4.1: 2 of 1,613,636 alleles (0.00012%); highest among the groups gnomAD compares: Admixed American, 0.0017%; no homozygotes.

Submissions (3):

Labcorp Genetics (formerly Invitae), Labcorp
Classification: Uncertain significance for Dilated cardiomyopathy 1G; Autosomal recessive limb-girdle muscular dystrophy type 2J. Last evaluated: 2026-01-13. Review status: criteria provided, single submitter. Criteria: Invitae Variant Classification Sherloc (09022015). Collection method: clinical testing. Allele origin: germline.
Comment: This sequence change replaces lysine, which is basic and polar, with arginine, which is basic and polar, at codon 34795 of the TTN protein (p.Lys34795Arg). This variant is not present in population databases (gnomAD no frequency). This variant has not been reported in the literature in individuals affected with TTN-related conditions. ClinVar contains an entry for this variant (Variation ID: 2437535). An algorithm developed to predict the effect of missense changes on protein structure and function outputs the following: PolyPhen-2: "Not Available". The arginine amino acid residue is found in multiple mammalian species, which suggests that this missense change does not adversely affect protein function. This variant is located in the M band of TTN (PMID: 25589632). Non-truncating variants in this region may be relevant for neuromuscular disorders, but have not been definitively shown to cause cardiomyopathy (PMID: 23975875). In summary, the available evidence is currently insufficient to determine the role of this variant in disease. Therefore, it has been classified as a Variant of Uncertain Significance.

Women's Health and Genetics/Laboratory Corporation of America, LabCorp
Classification: Uncertain significance. Last evaluated: 2024-12-27. Review status: criteria provided, single submitter. Criteria: LabCorp Variant Classification Summary - May 2015. Collection method: clinical testing. Allele origin: germline.

Revvity Omics, Revvity
Classification: Uncertain significance. Last evaluated: 2021-07-01. Review status: criteria provided, single submitter. Criteria: ACMG Guidelines, 2015. Collection method: clinical testing. Allele origin: germline.

Literature cited by the submitters: PubMed 25589632 (cited by Labcorp Genetics (formerly Invitae), Labcorp); PubMed 23975875 (cited by Labcorp Genetics (formerly Invitae), Labcorp).

NM_001267550.2(TTN):c.104384A>G (p.Lys34795Arg)

Genes: TTN (titin; minus strand), TTN-AS1 (TTN antisense RNA 1; plus strand). Cytogenetic location: 2q31.2.
Variant type: single nucleotide variant.
Coding change: c.104384A>G on transcript NM_001267550.2 (MANE Select); coding-DNA position 104384, A replaced by G.
Protein change: p.Lys34795Arg; replaces lysine 34795 with arginine.
Molecular consequence: missense variant.
Genome position (GRCh38, 1-based): chr2:178,532,231, T>C on the plus strand (A>G on the coding strand, the complement: TTN is on the minus strand). VCF-style: chr2-178532231-T-C. GRCh37 (hg19) VCF-style: chr2-179396958-T-C.
Other names: c.99461A>G, p.Lys33154Arg (NM_001256850.1); c.77189A>G, p.Lys25730Arg (NM_003319.4); c.96680A>G, p.Lys32227Arg (NM_133378.4); c.77564A>G, p.Lys25855Arg (NM_133432.3); c.77765A>G, p.Lys25922Arg (NM_133437.4); short protein forms K25730R, K25855R, K25922R, K32227R, K33154R, K34795R.
Identifiers: ClinVar variation 2437535 (VCV002437535.5), dbSNP rs1689445201, ClinGen allele CA349411854.